The following is an entry in ClinVar:

ClinVar aggregate classification (germline): Conflicting classifications of pathogenicity. Review status: criteria provided, conflicting classifications (1 of 4 stars). 3 submissions from 3 submitters: Uncertain significance (1); Likely benign (2). Last evaluated 2026-01-24.

Conditions:
Inborn genetic diseases. Identifiers: MedGen C0950123, MeSH D030342.

Allele frequency attached by ClinVar (database versions not stated): gnomAD exomes 0.00017; ExAC 0.00038; 1000 Genomes Project 30x 0.00078; gnomAD 0.00083; 1000 Genomes Project 0.00100; ESP Exome Variant Server 0.00100; TOPMed 0.00100.
gnomAD v4.1: 374 of 1,614,208 alleles (0.023%); highest among the groups gnomAD compares: African/African-American, 0.26%; 1 homozygote.

Submissions (3):

Labcorp Genetics (formerly Invitae), Labcorp
Classification: Likely benign. Last evaluated: 2026-01-24. Review status: criteria provided, single submitter. Criteria: Invitae Variant Classification Sherloc (09022015). Collection method: clinical testing. Allele origin: germline.

GeneDx
Classification: Uncertain significance. Last evaluated: 2022-11-15. Review status: criteria provided, single submitter. Criteria: GeneDx Variant Classification Process June 2021. Collection method: clinical testing. Allele origin: germline. Affected: yes.
Comment: Has not been previously published as pathogenic or benign to our knowledge; In silico analysis supports that this missense variant does not alter protein structure/function

Ambry Genetics
Classification: Likely benign for Inborn genetic diseases. Last evaluated: 2021-06-18. Review status: criteria provided, single submitter. Criteria: Ambry Variant Classification Scheme 2023. Collection method: clinical testing. Allele origin: germline.

NM_148897.3(SDR9C7):c.200G>A (p.Arg67Gln)

Gene: SDR9C7 (short chain dehydrogenase/reductase family 9C member 7; minus strand). Cytogenetic location: 12q13.3.
Variant type: single nucleotide variant.
Coding change: c.200G>A on transcript NM_148897.3 (MANE Select); coding-DNA position 200, G replaced by A.
Protein change: p.Arg67Gln; replaces arginine 67 with glutamine.
Molecular consequence: missense variant.
Genome position (GRCh38, 1-based): chr12:56,934,062, C>T on the plus strand (G>A on the coding strand, the complement: SDR9C7 is on the minus strand). VCF-style: chr12-56934062-C-T. GRCh37 (hg19) VCF-style: chr12-57327846-C-T.
Other names: short protein forms R67Q.
Identifiers: ClinVar variation 1800781 (VCV001800781.5), dbSNP rs140482532, ClinGen allele CA6638233.